The following is an entry in ClinVar:

NM_182961.4(SYNE1):c.21148C>T (p.Arg7050Ter)

Gene: SYNE1 (spectrin repeat containing nuclear envelope protein 1; minus strand). Cytogenetic location: 6q25.2.
Variant type: single nucleotide variant.
Coding change: c.21148C>T on transcript NM_182961.4 (MANE Select); coding-DNA position 21148, C replaced by T.
Protein change: p.Arg7050Ter; replaces arginine 7050 with a stop codon.
Molecular consequence: nonsense.
Genome position (GRCh38, 1-based): chr6:152,230,594, G>A on the plus strand (C>T on the coding strand, the complement: SYNE1 is on the minus strand). VCF-style: chr6-152230594-G-A. GRCh37 (hg19) VCF-style: chr6-152551729-G-A.
Other names: c.20935C>T, p.Arg6979Ter (NM_033071.5); short protein forms R6979*, R7050*.
Identifiers: ClinVar variation 449831 (VCV000449831.27), dbSNP rs763325410, ClinGen allele CA366112039.

ClinVar aggregate classification (germline): Pathogenic/Likely pathogenic. Review status: criteria provided, multiple submitters, no conflicts (2 of 4 stars). 5 submissions from 5 submitters: Pathogenic (3); Likely pathogenic (1). 1 of the submissions does not count toward it. Last evaluated 2024-05-14.

Conditions:
Abnormal central motor function. Identifiers: MedGen C4023354, HP:0011442.
Autosomal recessive ataxia, Beauce type. Also called: Spinocerebellar ataxia, autosomal recessive 8; ATAXIA, RECESSIVE, OF BEAUCE; SYNE1-Related Autosomal Recessive Cerebellar Ataxia; SYNE1 Deficiency. Identifiers: Orphanet 88644, MedGen C1853116, MONDO:0012549, OMIM 610743.
Emery-Dreifuss muscular dystrophy 4, autosomal dominant (EDMD4). Also called: EMERY-DREIFUSS MUSCULAR DYSTROPHY 4 WITH VARIABLE FEATURES. Identifiers: Orphanet 261, MedGen C2751807, MONDO:0013071, OMIM 612998.

Allele frequency attached by ClinVar (database versions not stated): gnomAD 0.00001; TOPMed 0.00002.
gnomAD v4.1: 3 of 1,613,904 alleles (0.00019%); highest among the groups gnomAD compares: South Asian, 0.0011%; no homozygotes.

Submissions (5):

Labcorp Genetics (formerly Invitae), Labcorp
Classification: Pathogenic for Emery-Dreifuss muscular dystrophy 4, autosomal dominant; Autosomal recessive ataxia, Beauce type. Last evaluated: 2024-05-14. Review status: criteria provided, single submitter. Criteria: Invitae Variant Classification Sherloc (09022015). Collection method: clinical testing. Allele origin: germline.
Comment: This sequence change creates a premature translational stop signal (p.Arg6979*) in the SYNE1 gene. It is expected to result in an absent or disrupted protein product. Loss-of-function variants in SYNE1 are known to be pathogenic (PMID: 19542096, 24319099, 27086870). This variant is present in population databases (no rsID available, gnomAD 0.0009%). This premature translational stop signal has been observed in individual(s) with SYNE1-related conditions (PMID: 27086870). ClinVar contains an entry for this variant (Variation ID: 449831). For these reasons, this variant has been classified as Pathogenic.

Baylor Genetics
Classification: Pathogenic for Autosomal recessive ataxia, Beauce type. Last evaluated: 2024-03-25. Review status: criteria provided, single submitter. Criteria: ACMG Guidelines, 2015. Collection method: clinical testing. Allele origin: unknown.

Kariminejad - Najmabadi Pathology & Genetics Center
Classification: Pathogenic for Abnormal central motor function. Last evaluated: 2021-07-10. Review status: criteria provided, single submitter. Criteria: ACMG Guidelines, 2015. Collection method: clinical testing. Allele origin: germline. Affected: yes.

GeneDx
Classification: Likely pathogenic. Last evaluated: 2017-07-07. Review status: criteria provided, single submitter. Criteria: GeneDx Variant Classification (06012015). Collection method: clinical testing. Allele origin: germline. Affected: yes.
Comment: The R6979X variant has been previously reported in an individual with cerebellar ataxia who harbored an additional SYNE1 nonsense variant (Synofzik et al., 2016). The R6979X variant is not observed in large population cohorts (Lek et al., 2016; 1000 Genomes Consortium et al., 2015; Exome Variant Server). This variant is predicted to cause loss of normal protein function either through protein truncation or nonsense mediated mRNA decay.

OMIM
Classification: Pathogenic for SPINOCEREBELLAR ATAXIA, AUTOSOMAL RECESSIVE 8. Last evaluated: 2019-07-11. Review status: no assertion criteria provided. Collection method: literature only. Allele origin: germline. Not counted in ClinVar's aggregate classification.

Literature cited by the submitters: PubMed 19542096 (cited by Labcorp Genetics (formerly Invitae), Labcorp); PubMed 24319099 (cited by Labcorp Genetics (formerly Invitae), Labcorp); PubMed 27086870 (cited by Labcorp Genetics (formerly Invitae), Labcorp and OMIM).